The following is an entry in ClinVar:

ClinVar aggregate classification (germline): Uncertain significance (1 of 4 stars; one submission).

Allele frequency attached by ClinVar (database versions not stated): TOPMed 0.00003; gnomAD 0.00004.
gnomAD v4.1: 42 of 1,613,630 alleles (0.0026%); highest among the groups gnomAD compares: Non-Finnish European, 0.0033%; no homozygotes.

Submission:

Women's Health and Genetics/Laboratory Corporation of America, LabCorp
Classification: Uncertain significance. Last evaluated: 2023-12-15. Review status: criteria provided, single submitter. Criteria: LabCorp Variant Classification Summary - May 2015. Collection method: clinical testing. Allele origin: germline.
Comment: Variant summary: COL4A4 c.16A>G (p.Ile6Val) results in a conservative amino acid change in the encoded protein sequence. Five of five in-silico tools predict a benign effect of the variant on protein function. The variant allele was found at a frequency of 1.6e-05 in 249452 control chromosomes. The available data on variant occurrences in the general population are insufficient to allow any conclusion about variant significance. To our knowledge, no occurrence of c.16A>G in individuals affected with Alport Syndrome, Autosomal Recessive and no experimental evidence demonstrating its impact on protein function have been reported. No submitters have cited clinical-significance assessments for this variant to ClinVar after 2014. Based on the evidence outlined above, the variant was classified as uncertain significance.

NM_000092.5(COL4A4):c.16A>G (p.Ile6Val)

Gene: COL4A4 (collagen type IV alpha 4 chain; minus strand). Cytogenetic location: 2q36.3.
Variant type: single nucleotide variant.
Coding change: c.16A>G on transcript NM_000092.5 (MANE Select); coding-DNA position 16, A replaced by G.
Protein change: p.Ile6Val; replaces isoleucine 6 with valine.
Molecular consequence: missense variant.
Genome position (GRCh38, 1-based): chr2:227,147,468, T>C on the plus strand (A>G on the coding strand, the complement: COL4A4 is on the minus strand). VCF-style: chr2-227147468-T-C. GRCh37 (hg19) VCF-style: chr2-228012184-T-C.
Other names: short protein forms I6V.
Identifiers: ClinVar variation 2445813 (VCV002445813.2), dbSNP rs763492958, ClinGen allele CA2145869.